The following is an entry in ClinVar:

NM_020778.5(ALPK3):c.186C>T (p.Ser62=)

Gene: ALPK3 (alpha kinase 3; plus strand). Cytogenetic location: 15q25.3.
Variant type: single nucleotide variant.
Coding change: c.186C>T on transcript NM_020778.5 (MANE Select); coding-DNA position 186, C replaced by T.
Protein change: p.Ser62=; no amino-acid change (serine 62 retained).
Molecular consequence: synonymous variant.
Genome position (GRCh38, 1-based): chr15:84,827,487, C>T. VCF-style: chr15-84827487-C-T. GRCh37 (hg19) VCF-style: chr15-85370718-C-T.
Identifiers: ClinVar variation 1537631 (VCV001537631.11), dbSNP rs116058119, ClinGen allele CA273657831.

ClinVar aggregate classification (germline): Conflicting classifications of pathogenicity. Review status: criteria provided, conflicting classifications (1 of 4 stars). 4 submissions from 4 submitters: Uncertain significance (1); Likely benign (3). Last evaluated 2025-12-28.

Conditions:
Cardiovascular phenotype. Identifiers: MedGen CN230736.

Allele frequency attached by ClinVar (database versions not stated): gnomAD 0.00002; TOPMed 0.00002.
gnomAD v4.1: 59 of 1,614,044 alleles (0.0037%); highest among the groups gnomAD compares: Non-Finnish European, 0.0047%; no homozygotes.

Submissions (4):

Labcorp Genetics (formerly Invitae), Labcorp
Classification: Likely benign. Last evaluated: 2025-12-28. Review status: criteria provided, single submitter. Criteria: Invitae Variant Classification Sherloc (09022015). Collection method: clinical testing. Allele origin: germline.

Women's Health and Genetics/Laboratory Corporation of America, LabCorp
Classification: Likely benign. Last evaluated: 2025-11-12. Review status: criteria provided, single submitter. Criteria: LabCorp Variant Classification Summary - May 2015. Collection method: clinical testing. Allele origin: germline.

GeneDx
Classification: Uncertain significance. Last evaluated: 2022-10-10. Review status: criteria provided, single submitter. Criteria: GeneDx Variant Classification Process June 2021. Collection method: clinical testing. Allele origin: germline. Affected: yes.
Comment: Not observed at significant frequency in large population cohorts (gnomAD); In silico analysis supports that this variant does not alter splicing; Has not been previously published as pathogenic or benign to our knowledge

Ambry Genetics
Classification: Likely benign for Cardiovascular phenotype. Last evaluated: 2019-10-20. Review status: criteria provided, single submitter. Criteria: Ambry Variant Classification Scheme 2023. Collection method: clinical testing. Allele origin: germline.